The following is an entry in ClinVar:

NM_001349206.2(LPIN1):c.1833T>C (p.Ala611=)

Gene: LPIN1 (lipin 1; plus strand). Cytogenetic location: 2p25.1.
Variant type: single nucleotide variant.
Coding change: c.1833T>C on transcript NM_001349206.2 (MANE Select); coding-DNA position 1833, T replaced by C.
Protein change: p.Ala611=; no amino-acid change (alanine 611 retained).
Molecular consequence: synonymous variant. On other transcripts: non-coding transcript variant (1).
Genome position (GRCh38, 1-based): chr2:11,795,434, T>C. VCF-style: chr2-11795434-T-C. GRCh37 (hg19) VCF-style: chr2-11935560-T-C.
Other names: c.1803T>C, p.Ala601= (NM_001349201.2, NM_001349200.2); c.1830T>C, p.Ala610= (NM_001349202.2, NM_001349203.2); c.1833T>C, p.Ala611= (NM_001349204.2, NM_001349205.2); c.1923T>C, p.Ala641= (NM_001349207.2); c.1872T>C, p.Ala624= (NM_001349208.2); c.1725T>C, p.Ala575= (NM_145693.4, NM_001349199.2); c.1743T>C, p.Ala581= (NM_001261427.3); c.1980T>C, p.Ala660= (NM_001261428.3).
Identifiers: ClinVar variation 3067666 (VCV003067666.21), dbSNP rs1183720904, ClinGen allele CA424850662.
Genomic context (GRCh38, chr2:11,795,434, plus strand): 5'-TACTTCTGTGACTCTTTCTTTTCTTCTTTTCTAGGAAAGTAAGCCAGAGCAGTGCTTGGC[T>C]GGCAAGGCCCATAGCACCGGAGAGCAACCGCCGCAGCTCAGCTTGGCCACCAGGTGCGGT-3'
Protein context (NP_001336135.1, residues 601-621): KEESKPEQCL[Ala611=]GKAHSTGEQP

ClinVar aggregate classification (germline): Likely benign (1 of 4 stars; one submission).

Allele frequency attached by ClinVar (database versions not stated): TOPMed 0.00001.

Submission:

CeGaT Center for Human Genetics Tuebingen
Classification: Likely benign. Last evaluated: 2024-03-01. Review status: criteria provided, single submitter. Criteria: CeGaT Center For Human Genetics Tuebingen Variant Classification Criteria Version 2. Collection method: clinical testing. Allele origin: germline. Affected: yes. Observed: 1 variant allele.
Comment: LPIN1: PM2:Supporting, BP4, BP7